The following is an entry in ClinVar:

ClinVar aggregate classification (germline): Likely pathogenic (1 of 4 stars; one submission).

Conditions:
Plasma factor XI deficiency.

Submission:

Natera, Inc.
Classification: Likely pathogenic for Plasma factor XI deficiency. Last evaluated: 2024-10-28. Review status: criteria provided, single submitter. Criteria: Natera Variant Classification Schema (03/2026). Collection method: clinical testing. Allele origin: germline.
Comment: The c.881C>A variant in F11 is a nonsense variant predicted to introduce a stop codon at amino acid 294. This variant is expected to result in nonsense mediated decay, truncation, or a dysfunctional protein product. This variant is rare in the general population with a frequency below the threshold expected for the associated phenotype(s). Given the available evidence, this variant is classified as Likely Pathogenic.

NM_000128.4(F11):c.881C>A (p.Ser294Ter)

Gene: F11 (coagulation factor XI; plus strand). Cytogenetic location: 4q35.2.
Variant type: single nucleotide variant.
Coding change: c.881C>A on transcript NM_000128.4 (MANE Select); coding-DNA position 881, C replaced by A.
Protein change: p.Ser294Ter; replaces serine 294 with a stop codon.
Molecular consequence: nonsense. On other transcripts: intron variant (4).
Genome position (GRCh38, 1-based): chr4:186,280,238, C>A. VCF-style: chr4-186280238-C-A. GRCh37 (hg19) VCF-style: chr4-187201392-C-A.
Other names: c.881C>A, p.Ser294Ter (NM_001440593.1); c.611C>A, p.Ser204Ter (NM_001440605.1, NM_001440607.1); c.866-33C>A (NM_001440590.1, NM_001440596.1); c.596-33C>A (NM_001440606.1, NM_001440608.1); short protein forms S204*, S294*.
Identifiers: ClinVar variation 4817504 (VCV004817504.1).
Genomic context (GRCh38, chr4:186,280,238, plus strand): 5'-CATGCTGAGGGAGGGTCTCACTCTGACATGTGGTCTGCTGTCTAGTGTTCTGCCATTCTT[C>A]ATTTTACCATGACACTGATTTCTTGGGAGAAGAACTGGATATTGTTGCTGCAAAAAGTCA-3'